The following is an entry in ClinVar:

ClinVar aggregate classification (germline): Conflicting classifications of pathogenicity. Review status: criteria provided, conflicting classifications (1 of 4 stars). 6 submissions from 6 submitters: Uncertain significance (2); Benign (1); Likely benign (3). Last evaluated 2025-12-22.

Conditions:
Kabuki syndrome. Also called: Kabuki make-up syndrome; NIIKAWA-KUROKI SYNDROME. Identifiers: Orphanet 2322, MedGen C0796004, MONDO:0016512.
Kabuki syndrome 1 (KABUK1). Also called: KMT2D-Related Kabuki Syndrome. Identifiers: Orphanet 2322, MedGen CN030661, MONDO:0007843, OMIM 147920.
Inborn genetic diseases. Identifiers: MedGen C0950123, MeSH D030342.
KMT2D-related disorder. Also called: KMT2D-Related Disorders.

Allele frequency attached by ClinVar (database versions not stated): gnomAD exomes 0.00002 and 0.00004; ExAC 0.00004.
gnomAD v4.1: 42 of 1,612,764 alleles (0.0026%); highest among the groups gnomAD compares: Admixed American, 0.01%; no homozygotes.

Submissions (6):

Labcorp Genetics (formerly Invitae), Labcorp
Classification: Benign for Kabuki syndrome. Last evaluated: 2025-12-22. Review status: criteria provided, single submitter. Criteria: Invitae Variant Classification Sherloc (09022015). Collection method: clinical testing. Allele origin: germline.

Ambry Genetics
Classification: Likely benign for Inborn genetic diseases. Last evaluated: 2025-01-14. Review status: criteria provided, single submitter. Criteria: Ambry Variant Classification Scheme 2023. Collection method: clinical testing. Allele origin: germline.

PreventionGenetics, part of Exact Sciences
Classification: Likely benign for KMT2D-related condition. Last evaluated: 2024-11-08. Review status: criteria provided, single submitter. Criteria: ACMG Guidelines, 2015. Collection method: clinical testing. Allele origin: germline.
Comment: This variant is classified as likely benign based on ACMG/AMP sequence variant interpretation guidelines (Richards et al. 2015 PMID: 25741868, with internal and published modifications).

GeneDx
Classification: Uncertain significance. Last evaluated: 2023-02-10. Review status: criteria provided, single submitter. Criteria: GeneDx Variant Classification Process June 2021. Collection method: clinical testing. Allele origin: germline. Affected: yes.
Comment: In silico analysis supports that this missense variant has a deleterious effect on protein structure/function; Has not been previously published as pathogenic or benign to our knowledge

Blueprint Genetics
Classification: Likely benign. Last evaluated: 2021-08-30. Review status: criteria provided, single submitter. Criteria: ACMG Guidelines, 2015. Collection method: clinical testing. Allele origin: germline.

Center for Human Genetics, Inc
Classification: Uncertain significance for Kabuki syndrome 1. Last evaluated: 2016-11-01. Review status: criteria provided, single submitter. Criteria: ACMG Guidelines, 2015. Collection method: clinical testing. Allele origin: germline. Affected: yes.

NM_003482.4(KMT2D):c.10522C>T (p.Arg3508Trp)

Gene: KMT2D (lysine methyltransferase 2D; minus strand). Cytogenetic location: 12q13.12.
Variant type: single nucleotide variant.
Coding change: c.10522C>T on transcript NM_003482.4 (MANE Select); coding-DNA position 10522, C replaced by T.
Protein change: p.Arg3508Trp; replaces arginine 3508 with tryptophan.
Molecular consequence: missense variant.
Genome position (GRCh38, 1-based): chr12:49,034,285, G>A on the plus strand (C>T on the coding strand, the complement: KMT2D is on the minus strand). VCF-style: chr12-49034285-G-A. GRCh37 (hg19) VCF-style: chr12-49428068-G-A.
Other names: short protein forms R3508W.
Identifiers: ClinVar variation 547468 (VCV000547468.8), dbSNP rs777638253, ClinGen allele CA6546473.